The following is an entry in ClinVar:

ClinVar aggregate classification (germline): Likely benign (1 of 4 stars; one submission).

Allele frequency attached by ClinVar (database versions not stated): gnomAD 0.00002; gnomAD exomes 0.00002; TOPMed 0.00002.
gnomAD v4.1: 26 of 1,554,792 alleles (0.0017%); highest among the groups gnomAD compares: Admixed American, 0.0082%; no homozygotes.

Submission:

CeGaT Center for Human Genetics Tuebingen
Classification: Likely benign. Last evaluated: 2022-03-01. Review status: criteria provided, single submitter. Criteria: CeGaT Center For Human Genetics Tuebingen Variant Classification Criteria Version 2. Collection method: clinical testing. Allele origin: germline. Affected: yes. Observed: 1 variant allele.
Comment: ZC3H6: BP4, BP7

NM_198581.3(ZC3H6):c.2121G>A (p.Glu707=)

Gene: ZC3H6 (zinc finger CCCH-type containing 6; plus strand). Cytogenetic location: 2q14.1.
Variant type: single nucleotide variant.
Coding change: c.2121G>A on transcript NM_198581.3 (MANE Select); coding-DNA position 2121, G replaced by A.
Protein change: p.Glu707=; no amino-acid change (glutamic acid 707 retained).
Molecular consequence: synonymous variant.
Genome position (GRCh38, 1-based): chr2:112,331,039, G>A. VCF-style: chr2-112331039-G-A. GRCh37 (hg19) VCF-style: chr2-113088616-G-A.
Identifiers: ClinVar variation 2651274 (VCV002651274.24), dbSNP rs757148151, ClinGen allele CA1833723.